The following is an entry in ClinVar:

ClinVar aggregate classification (germline): Benign/Likely benign. Review status: criteria provided, multiple submitters, no conflicts (2 of 4 stars). 3 submissions from 3 submitters: Benign (1); Likely benign (2). Last evaluated 2026-06-16.

Conditions:
Polyps, multiple and recurrent inflammatory fibroid, gastrointestinal. Identifiers: MedGen C5193005, MONDO:0008285, OMIM 175510.
Hereditary cancer-predisposing syndrome. Also called: Tumor predisposition; Hereditary Cancer Syndrome; Hereditary neoplastic syndrome; Neoplastic Syndromes, Hereditary. Identifiers: Orphanet 140162, MedGen C0027672, MeSH D009386, MONDO:0015356.
Gastrointestinal stromal tumor. Also called: Gastrointestinal stroma tumor; Gastrointestinal stromal tumor, somatic. Identifiers: Orphanet 44890, MedGen C0238198, MeSH D046152, MONDO:0011719, OMIM 606764, HP:0100723.

Allele frequency attached by ClinVar (database versions not stated): TOPMed below 0.00001.

Submissions (3):

Myriad Genetics, Inc.
Classification: Benign for Polyps, multiple and recurrent inflammatory fibroid, gastrointestinal. Last evaluated: 2026-06-16. Review status: criteria provided, single submitter. Criteria: Myriad Autosomal Dominant, Autosomal Recessive and X-Linked Classification Criteria (2023). Collection method: clinical testing. Allele origin: unknown.
Comment: This variant is considered benign. This variant is a silent/synonymous amino acid change and it is not expected to impact splicing.

Labcorp Genetics (formerly Invitae), Labcorp
Classification: Likely benign for Gastrointestinal stromal tumor. Last evaluated: 2025-07-17. Review status: criteria provided, single submitter. Criteria: Invitae Variant Classification Sherloc (09022015). Collection method: clinical testing. Allele origin: germline.

Ambry Genetics
Classification: Likely benign for Hereditary cancer-predisposing syndrome. Last evaluated: 2022-11-24. Review status: criteria provided, single submitter. Criteria: Ambry Variant Classification Scheme 2023. Collection method: clinical testing. Allele origin: germline.

NM_006206.6(PDGFRA):c.174G>A (p.Gln58=)

Gene: PDGFRA (platelet derived growth factor receptor alpha; plus strand). Cytogenetic location: 4q12.
Variant type: single nucleotide variant.
Coding change: c.174G>A on transcript NM_006206.6 (MANE Select); coding-DNA position 174, G replaced by A.
Protein change: p.Gln58=; no amino-acid change (glutamine 58 retained).
Molecular consequence: synonymous variant.
Genome position (GRCh38, 1-based): chr4:54,261,219, G>A. VCF-style: chr4-54261219-G-A. GRCh37 (hg19) VCF-style: chr4-55127386-G-A.
Other names: c.174G>A, p.Gln58= (NM_001347827.2, NM_001347829.2); c.249G>A, p.Gln83= (NM_001347828.2); c.213G>A, p.Gln71= (NM_001347830.2).
Identifiers: ClinVar variation 2018568 (VCV002018568.7), dbSNP rs1484593114, ClinGen allele CA439408542.